The following is an entry in ClinVar:

ClinVar aggregate classification (germline): Uncertain significance (1 of 4 stars; one submission).

Conditions:
Cardiovascular phenotype. Identifiers: MedGen CN230736.

Submission:

Ambry Genetics
Classification: Uncertain significance for Cardiovascular phenotype. Last evaluated: 2018-09-14. Review status: criteria provided, single submitter. Criteria: Ambry Variant Classification Scheme 2023. Collection method: clinical testing. Allele origin: germline.
Comment: The p.E1156G variant (also known as c.3467A>G), located in coding exon 31 of the MYBPC3 gene, results from an A to G substitution at nucleotide position 3467. The glutamic acid at codon 1156 is replaced by glycine, an amino acid with some similar properties. This amino acid position is not well conserved in available vertebrate species, and glycine is the reference amino acid in other vertebrate species. In addition, this alteration is predicted to be tolerated by in silico analysis. Since supporting evidence is limited at this time, the clinical significance of this alteration remains unclear.

NM_000256.3(MYBPC3):c.3467A>G (p.Glu1156Gly)

Gene: MYBPC3 (myosin binding protein C3; minus strand). Cytogenetic location: 11p11.2.
Variant type: single nucleotide variant.
Coding change: c.3467A>G on transcript NM_000256.3 (MANE Select); coding-DNA position 3467, A replaced by G.
Protein change: p.Glu1156Gly; replaces glutamic acid 1156 with glycine.
Molecular consequence: missense variant.
Genome position (GRCh38, 1-based): chr11:47,332,837, T>C on the plus strand (A>G on the coding strand, the complement: MYBPC3 is on the minus strand). VCF-style: chr11-47332837-T-C. GRCh37 (hg19) VCF-style: chr11-47354388-T-C.
Other names: short protein forms E1156G.
Identifiers: ClinVar variation 1731691 (VCV001731691.2), dbSNP rs2495738549, ClinGen allele CA380313133.